The following is an entry in ClinVar:

NM_006494.4(ERF):c.110T>C (p.Leu37Pro)

Gene: ERF (ETS2 repressor factor; minus strand). Cytogenetic location: 19q13.2.
Variant type: single nucleotide variant.
Coding change: c.110T>C on transcript NM_006494.4 (MANE Select); coding-DNA position 110, T replaced by C.
Protein change: p.Leu37Pro; replaces leucine 37 with proline.
Molecular consequence: missense variant. On other transcripts: 5 prime UTR variant (3).
Genome position (GRCh38, 1-based): chr19:42,250,478, A>G on the plus strand (T>C on the coding strand, the complement: ERF is on the minus strand). VCF-style: chr19-42250478-A-G. GRCh37 (hg19) VCF-style: chr19-42754630-A-G.
Other names: c.-116T>C (NM_001301035.2, NM_001308402.2, NM_001312656.2); short protein forms L37P.
Identifiers: ClinVar variation 1018043 (VCV001018043.8), dbSNP rs2036426238, ClinGen allele CA406115554.

ClinVar aggregate classification (germline): Likely pathogenic (1 of 4 stars; one submission).

Conditions:
TWIST1-related craniosynostosis (CRS1). Also called: CRANIOSYNOSTOSIS 1. Identifiers: Orphanet 63440, MedGen C4551902, MONDO:0007399, OMIM 123100. Inheritance: Heterogenous inheritance pattern.

Submission:

Labcorp Genetics (formerly Invitae), Labcorp
Classification: Likely pathogenic for TWIST1-related craniosynostosis. Last evaluated: 2021-08-26. Review status: criteria provided, single submitter. Criteria: Invitae Variant Classification Sherloc (09022015). Collection method: clinical testing. Allele origin: germline.
Comment: In summary, the currently available evidence indicates that the variant is pathogenic, but additional data are needed to prove that conclusively. Therefore, this variant has been classified as Likely Pathogenic. Algorithms developed to predict the effect of missense changes on protein structure and function (SIFT, PolyPhen-2, Align-GVGD) all suggest that this variant is likely to be disruptive. ClinVar contains an entry for this variant (Variation ID: 1018043). This variant has been observed in individual(s) with craniosynostosis (Invitae). In at least one individual the variant was observed to be de novo. This variant is not present in population databases (ExAC no frequency). This sequence change replaces leucine with proline at codon 37 of the ERF protein (p.Leu37Pro). The leucine residue is highly conserved and there is a moderate physicochemical difference between leucine and proline.